The following is an entry in ClinVar:

ClinVar aggregate classification (germline): Pathogenic. Review status: criteria provided, multiple submitters, no conflicts (2 of 4 stars). 4 submissions from 4 submitters: Pathogenic (3). 1 of the submissions does not count toward it. Last evaluated 2023-01-26.

Conditions:
Cardiomyopathy (CMYO). Also called: Cardiomyopathies. Identifiers: Orphanet 167848, MedGen C0878544, MONDO:0004994, HP:0001638. Inheritance: Various modes of inheritance.
Becker muscular dystrophy (BMD). Also called: MUSCULAR DYSTROPHY, PSEUDOHYPERTROPHIC PROGRESSIVE, BECKER TYPE; Becker Muscular Dystrophy (BMD). Identifiers: Orphanet 98895, MedGen C0917713, MONDO:0010311, OMIM 300376.
Duchenne muscular dystrophy (DMD). Also called: Duchenne Muscular Dystrophy (DMD); MUSCULAR DYSTROPHY, PSEUDOHYPERTROPHIC PROGRESSIVE, DUCHENNE TYPE. Identifiers: Orphanet 98896, MedGen C0013264, MONDO:0010679, OMIM 310200.
Dystrophin deficiency.

Submissions (4):

Labcorp Genetics (formerly Invitae), Labcorp
Classification: Pathogenic for Duchenne muscular dystrophy. Last evaluated: 2023-01-26. Review status: criteria provided, single submitter. Criteria: Invitae Variant Classification Sherloc (09022015). Collection method: clinical testing. Allele origin: germline.
Comment: For these reasons, this variant has been classified as Pathogenic. Algorithms developed to predict the effect of sequence changes on RNA splicing suggest that this variant may disrupt the consensus splice site. ClinVar contains an entry for this variant (Variation ID: 265325). Disruption of this splice site has been observed in individuals with Duchenne Muscular Dystrophy (PMID: 19937601, 30467404, 32194622). This variant is not present in population databases (gnomAD no frequency). This sequence change affects an acceptor splice site in intron 55 of the DMD gene. It is expected to disrupt RNA splicing. Variants that disrupt the donor or acceptor splice site typically lead to a loss of protein function (PMID: 16199547), and loss-of-function variants in DMD are known to be pathogenic (PMID: 16770791, 25007885).

Laboratory of Medical Genetics, National & Kapodistrian University of Athens
Classification: Pathogenic for Duchenne muscular dystrophy. Last evaluated: 2022-12-16. Review status: criteria provided, single submitter. Criteria: ACMG Guidelines, 2015. Collection method: clinical testing. Allele origin: germline. Affected: yes.
Comment: PVS1, PM2, PP5

GeneDx
Classification: Pathogenic. Last evaluated: 2016-03-02. Review status: criteria provided, single submitter. Criteria: GeneDx Variant Classification (06012015). Collection method: clinical testing. Allele origin: germline. Affected: yes.
Comment: The c.8218-2 A>G splice site pathogenic variant in the DMD gene has been previously reported in association with dystrophinopathy, specifically Duchenne muscular dystrophy (Flanigan et al., 2009). This pathogenic variant destroys the canonical splice acceptor site in intron 55, and is expected to cause abnormal gene splicing. Additionally, c.8218-2 A>G was not observed in approximately 6,500 individuals of European and African American ancestry in the NHLBI Exome Sequencing Project, indicating it is not a common benign variant in these populations. Therefore, c.8218-2 A>G is considered a pathogenic variant.

Natera, Inc.
Classification: Pathogenic for Becker muscular dystrophy; Cardiomyopathy; Duchenne muscular dystrophy; Dystrophin deficiency. Last evaluated: 2019-11-14. Review status: no assertion criteria provided. Collection method: clinical testing. Allele origin: germline. Not counted in ClinVar's aggregate classification.

Literature cited by the submitters: PubMed 19937601 (cited by Labcorp Genetics (formerly Invitae), Labcorp); PubMed 30467404 (cited by Labcorp Genetics (formerly Invitae), Labcorp); PubMed 32194622 (cited by Labcorp Genetics (formerly Invitae), Labcorp); PubMed 16199547 (cited by Labcorp Genetics (formerly Invitae), Labcorp); PubMed 16770791 (cited by Labcorp Genetics (formerly Invitae), Labcorp); PubMed 25007885 (cited by Labcorp Genetics (formerly Invitae), Labcorp).

NM_004006.3(DMD):c.8218-2A>G

Gene: DMD (dystrophin; minus strand). Cytogenetic location: Xp21.1.
Variant type: single nucleotide variant.
Coding change: c.8218-2A>G on transcript NM_004006.3 (MANE Select); the canonical splice acceptor site of the intron before coding-DNA position 8218, A replaced by G.
Molecular consequence: splice acceptor variant.
Genome position (GRCh38, 1-based): chrX:31,507,455, T>C on the plus strand (A>G on the coding strand, the complement: DMD is on the minus strand). VCF-style: chrX-31507455-T-C. GRCh37 (hg19) VCF-style: chrX-31525572-T-C.
Other names: c.8194-2A>G (NM_000109.4); c.4195-2A>G (NM_004011.4); c.4186-2A>G (NM_004012.4); c.838-2A>G (NM_004023.3, NM_004020.4, NM_004022.3 and 2 more transcripts); c.31-2A>G (NM_004014.3); c.8206-2A>G (NM_004009.3); c.7849-2A>G (NM_004010.3).
Identifiers: ClinVar variation 265325 (VCV000265325.9), dbSNP rs886039478, ClinGen allele CA10588768.